The following is an entry in ClinVar:

ClinVar aggregate classification (germline): Uncertain significance (1 of 4 stars; one submission).

Conditions:
Hereditary spastic paraplegia 3A (SPG3A). Also called: SPASTIC PARAPLEGIA 3, AUTOSOMAL DOMINANT; FAMILIAL SPASTIC PARAPLEGIA, AUTOSOMAL DOMINANT, 1; SPG3; STRUMPELL DISEASE; Spastic Paraplegia 3A; Spastic paraplegia 3A, autosomal dominant. Identifiers: Orphanet 100984, MedGen C2931355, MONDO:0008437, OMIM 182600.

Submission:

Labcorp Genetics (formerly Invitae), Labcorp
Classification: Uncertain significance for Hereditary spastic paraplegia 3A. Last evaluated: 2022-10-30. Review status: criteria provided, single submitter. Criteria: Invitae Variant Classification Sherloc (09022015). Collection method: clinical testing. Allele origin: germline.
Comment: This sequence change replaces lysine, which is basic and polar, with glutamic acid, which is acidic and polar, at codon 255 of the ATL1 protein (p.Lys255Glu). This variant is not present in population databases (gnomAD no frequency). This variant has not been reported in the literature in individuals affected with ATL1-related conditions. Advanced modeling of protein sequence and biophysical properties (such as structural, functional, and spatial information, amino acid conservation, physicochemical variation, residue mobility, and thermodynamic stability) performed at Invitae indicates that this missense variant is not expected to disrupt ATL1 protein function. In summary, the available evidence is currently insufficient to determine the role of this variant in disease. Therefore, it has been classified as a Variant of Uncertain Significance.

NM_015915.5(ATL1):c.763A>G (p.Lys255Glu)

Gene: ATL1 (atlastin GTPase 1; plus strand). Cytogenetic location: 14q22.1.
Variant type: single nucleotide variant.
Coding change: c.763A>G on transcript NM_015915.5 (MANE Select); coding-DNA position 763, A replaced by G.
Protein change: p.Lys255Glu; replaces lysine 255 with glutamic acid.
Molecular consequence: missense variant.
Genome position (GRCh38, 1-based): chr14:50,614,412, A>G. VCF-style: chr14-50614412-A-G. GRCh37 (hg19) VCF-style: chr14-51081130-A-G.
Other names: c.763A>G, p.Lys255Glu (NM_001127713.1, NM_181598.4); short protein forms K255E.
Identifiers: ClinVar variation 2810654 (VCV002810654.3), dbSNP rs2504543811, ClinGen allele CA389671588.